The following is an entry in ClinVar:

NM_058216.3(RAD51C):c.734C>T (p.Ala245Val)

Gene: RAD51C (RAD51 paralog C; plus strand). Cytogenetic location: 17q22.
Variant type: single nucleotide variant.
Coding change: c.734C>T on transcript NM_058216.3 (MANE Select); coding-DNA position 734, C replaced by T.
Protein change: p.Ala245Val; replaces alanine 245 with valine.
Molecular consequence: missense variant. On other transcripts: non-coding transcript variant (1).
Genome position (GRCh38, 1-based): chr17:58,709,887, C>T. VCF-style: chr17-58709887-C-T. GRCh37 (hg19) VCF-style: chr17-56787248-C-T.
Other names: short protein forms A245V.
Identifiers: ClinVar variation 478780 (VCV000478780.16), dbSNP rs1555599151, ClinGen allele CA400353413.

ClinVar aggregate classification (germline): Conflicting classifications of pathogenicity. Review status: criteria provided, conflicting classifications (1 of 4 stars). 3 submissions from 3 submitters: Uncertain significance (2); Likely benign (1). Last evaluated 2025-10-09.

Conditions:
Hereditary cancer-predisposing syndrome. Also called: Tumor predisposition; Neoplastic Syndromes, Hereditary; Hereditary Cancer Syndrome; Hereditary neoplastic syndrome. Identifiers: Orphanet 140162, MedGen C0027672, MeSH D009386, MONDO:0015356.
Fanconi anemia complementation group O. Also called: RAD51C-Related Fanconi Anemia. Identifiers: Orphanet 84, MedGen C3150653, MONDO:0013248, OMIM 613390.

Submissions (3):

Ambry Genetics
Classification: Likely benign for Hereditary cancer-predisposing syndrome. Last evaluated: 2025-10-09. Review status: criteria provided, single submitter. Criteria: Ambry Variant Classification Scheme 2023. Collection method: clinical testing. Allele origin: germline.

Labcorp Genetics (formerly Invitae), Labcorp
Classification: Uncertain significance for Fanconi anemia complementation group O. Last evaluated: 2024-05-11. Review status: criteria provided, single submitter. Criteria: Invitae Variant Classification Sherloc (09022015). Collection method: clinical testing. Allele origin: germline.
Comment: This sequence change replaces alanine, which is neutral and non-polar, with valine, which is neutral and non-polar, at codon 245 of the RAD51C protein (p.Ala245Val). This variant is not present in population databases (gnomAD no frequency). This variant has not been reported in the literature in individuals affected with RAD51C-related conditions. ClinVar contains an entry for this variant (Variation ID: 478780). Advanced modeling of protein sequence and biophysical properties (such as structural, functional, and spatial information, amino acid conservation, physicochemical variation, residue mobility, and thermodynamic stability) has been performed at Invitae for this missense variant, however the output from this modeling did not meet the statistical confidence thresholds required to predict the impact of this variant on RAD51C protein function. In summary, the available evidence is currently insufficient to determine the role of this variant in disease. Therefore, it has been classified as a Variant of Uncertain Significance.

Sema4
Classification: Uncertain significance for Hereditary cancer-predisposing syndrome. Last evaluated: 2021-09-25. Review status: criteria provided, single submitter. Criteria: Sema4 Curation Guidelines. Collection method: curation. Allele origin: germline.
Comment: The RAD51C c.734C>T (p.A245V) variant has been reported in at least one individual with breast cancer (PMID: 33471991). It was not observed in the large and broad cohorts of the Genome Aggregation Database (PMID: 32461654). The variant has been reported in ClinVar (Variation ID 478780). Functional studies have not been performed, and in silico predictions of the variant's effect on protein function are inconclusive. The evidence is insufficient to meet ACMG/AMP criteria for classifying the variant as benign or pathogenic. Thus, the clinical significance of this variant is currently uncertain.

Literature cited by the submitters: PubMed 33471991 (cited by Sema4).